The following is an entry in ClinVar:

NM_004996.4(ABCC1):c.2115+1_2115+6dup

Gene: ABCC1 (ATP binding cassette subfamily C member 1 (ABCC1 blood group); plus strand). Cytogenetic location: 16p13.11.
Variant type: Duplication.
Coding change: c.2115+1_2115+6dup on transcript NM_004996.4 (MANE Select); the canonical splice donor site of the intron after coding-DNA position 2115 through 6 bases into the intron after coding-DNA position 2115, 6 bases duplicated (GTAGGA; older notation c.2115+1_2115+6dupGTAGGA).
Molecular consequence: splice donor variant.
Genome position (GRCh38, 1-based): chr16:16,079,479-16,079,484, GTAGGA duplicated. VCF-style (leftmost placement, unchanged base first): chr16-16079478-G-GGTAGGA. GRCh37 (hg19) VCF-style: chr16-16173335-G-GGTAGGA.
Other names: c.2115+1_2115+6dup (NM_001438755.1, NM_019898.3, NM_019862.3 and 1 more transcripts); c.1968+1_1968+6dup (NM_019902.2, NM_001438720.1); c.1989+1_1989+6dup (NM_019901.2, NM_001438719.1); c.1842+1_1842+6dup (NM_001438715.1); c.1830+1_1830+6dup (NM_001438718.1); c.1704+1_1704+6dup (NM_001438717.1).
Identifiers: ClinVar variation 4681265 (VCV004681265.5).

ClinVar aggregate classification (germline): Likely benign (1 of 4 stars; one submission).

Submission:

CeGaT Center for Human Genetics Tuebingen
Classification: Likely benign. Last evaluated: 2025-12-01. Review status: criteria provided, single submitter. Criteria: CeGaT Center For Human Genetics Tuebingen Variant Classification Criteria Version 2. Collection method: clinical testing. Allele origin: germline. Affected: yes. Observed: 1 variant allele.
Comment: ABCC1: BP4, BS1